The following is an entry in ClinVar:

NM_001360016.2(G6PD):c.882del (p.Lys293_Cys294insTer)

Gene: G6PD (glucose-6-phosphate dehydrogenase; minus strand). Cytogenetic location: Xq28.
Variant type: Deletion.
Coding change: c.882del on transcript NM_001360016.2 (MANE Select); coding-DNA position 882, one base deleted (C; older notation c.882delC).
Protein change: p.Lys293_Cys294insTer.
Molecular consequence: nonsense.
Genome position (GRCh38, 1-based): chrX:154,533,111, G deleted on the plus strand (C on the coding strand, the reverse complement: G6PD is on the minus strand). VCF-style (leftmost placement, unchanged base first): chrX-154533110-TG-T. GRCh37 (hg19) VCF-style: chrX-153761325-TG-T.
Other names: c.972del, p.Lys323_Cys324insTer (NM_000402.4); c.882del, p.Lys293_Cys294insTer (NM_001042351.3).
Identifiers: ClinVar variation 1722644 (VCV001722644.2), dbSNP rs1557229916, ClinGen allele CA645291575.

ClinVar aggregate classification (germline): Pathogenic (1 of 4 stars; one submission).

Conditions:
Anemia, nonspherocytic hemolytic, due to G6PD deficiency (CNSHA1). Also called: Hemolytic anemia due to G6PD deficiency; Class I glucose-6-phosphate dehydrogenase deficiency; Favism, susceptibility to; ANEMIA, CONGENITAL, NONSPHEROCYTIC HEMOLYTIC, 1. Identifiers: Orphanet 466026, MedGen C2720289, MONDO:0010480, OMIM 300908.

Allele frequency attached by ClinVar (database versions not stated): gnomAD exomes below 0.00001.

Submission:

Dunham Lab, University of Washington
Classification: Pathogenic for Anemia, nonspherocytic hemolytic, due to G6PD deficiency. Last evaluated: 2022-08-12. Review status: criteria provided, single submitter. Criteria: Bayesian ACMG Guidelines, 2018. Collection method: curation. Allele origin: unknown.
Comment: Frameshift that introduces stop codon at residue 294 (PVS1). Below expected carrier frequency in gnomAD (PM2). Post_P 0.994 (odds of pathogenicity 1516, Prior_P 0.1).